The following is an entry in ClinVar:

ClinVar aggregate classification (germline): Uncertain significance (1 of 4 stars; one submission).

Conditions:
Congenital disorder of deglycosylation (CDDG). Identifiers: MedGen C3808991, MONDO:0031376.

Allele frequency attached by ClinVar (database versions not stated): TOPMed below 0.00001; gnomAD 0.00001.
gnomAD v4.1: 2 of 1,613,716 alleles (0.00012%); highest among the groups gnomAD compares: African/African-American, 0.0013%; no homozygotes.

Submission:

Labcorp Genetics (formerly Invitae), Labcorp
Classification: Uncertain significance for Congenital disorder of deglycosylation. Last evaluated: 2022-06-20. Review status: criteria provided, single submitter. Criteria: Invitae Variant Classification Sherloc (09022015). Collection method: clinical testing. Allele origin: germline.
Comment: This sequence change replaces glutamic acid, which is acidic and polar, with glycine, which is neutral and non-polar, at codon 582 of the NGLY1 protein (p.Glu582Gly). This variant is not present in population databases (gnomAD no frequency). This variant has not been reported in the literature in individuals affected with NGLY1-related conditions. Algorithms developed to predict the effect of missense changes on protein structure and function (SIFT, PolyPhen-2, Align-GVGD) all suggest that this variant is likely to be tolerated. In summary, the available evidence is currently insufficient to determine the role of this variant in disease. Therefore, it has been classified as a Variant of Uncertain Significance.

NM_018297.4(NGLY1):c.1745A>G (p.Glu582Gly)

Gene: NGLY1 (N-glycanase 1; minus strand). Cytogenetic location: 3p24.2.
Variant type: single nucleotide variant.
Coding change: c.1745A>G on transcript NM_018297.4 (MANE Select); coding-DNA position 1745, A replaced by G.
Protein change: p.Glu582Gly; replaces glutamic acid 582 with glycine.
Molecular consequence: missense variant. On other transcripts: intron variant (1).
Genome position (GRCh38, 1-based): chr3:25,720,058, T>C on the plus strand (A>G on the coding strand, the complement: NGLY1 is on the minus strand). VCF-style: chr3-25720058-T-C. GRCh37 (hg19) VCF-style: chr3-25761549-T-C.
Other names: c.1691A>G, p.Glu564Gly (NM_001145293.2); c.1619A>G, p.Glu540Gly (NM_001145294.2); c.1612-423A>G (NM_001145295.2); short protein forms E564G, E540G, E582G.
Identifiers: ClinVar variation 2058074 (VCV002058074.1), dbSNP rs1378247358, ClinGen allele CA351893973.